The following is an entry in ClinVar:

ClinVar aggregate classification (germline): Pathogenic (1 of 4 stars; one submission).

Conditions:
Congenital myotonia, autosomal dominant form (THD). Also called: THOMSEN DISEASE; Myotonia congenita autosomal dominant. Identifiers: Orphanet 614, MedGen C2936781, MONDO:0008055, OMIM 160800.
Congenital myotonia, autosomal recessive form. Also called: BECKER DISEASE; Becker Generalized Myotonia; myotonia congenita, autosomal recessive. Identifiers: Orphanet 614, MedGen C0751360, MONDO:0009715, OMIM 255700.

Submission:

Labcorp Genetics (formerly Invitae), Labcorp
Classification: Pathogenic for Congenital myotonia, autosomal recessive form; Congenital myotonia, autosomal dominant form. Last evaluated: 2023-11-06. Review status: criteria provided, single submitter. Criteria: Invitae Variant Classification Sherloc (09022015). Collection method: clinical testing. Allele origin: germline.
Comment: This variant is a gross deletion of the genomic region encompassing exon(s) 17-22 of the CLCN1 gene. While this deletion is not anticipated to lead to nonsense mediated decay, it is expected to disrupt the C-terminus of the protein. A similar copy number variant has been observed in individual(s) with autosomal recessive myotonia congenita (PMID: 22649220). In at least one individual the data is consistent with being in trans (on the opposite chromosome) from a pathogenic variant. For these reasons, this variant has been classified as Pathogenic.

Literature cited by the submitters: PubMed 22649220.

NC_000007.14:g.(?_143345501)_(143350674_?)del

Genes: CLCN1 (chloride voltage-gated channel 1; plus strand), LOC123956257 (Sharpr-MPRA regulatory region 4117; plus strand). Cytogenetic location: 7q34.
Variant type: Deletion.
Identifiers: ClinVar variation 583787 (VCV000583787.7).